The following is an entry in ClinVar:

ClinVar aggregate classification (germline): Uncertain significance. Review status: criteria provided, multiple submitters, no conflicts (2 of 4 stars). 2 submissions from 2 submitters: Uncertain significance (2). Last evaluated 2024-03-06.

Conditions:
Hereditary cancer-predisposing syndrome. Also called: Neoplastic Syndromes, Hereditary; Tumor predisposition; Hereditary Cancer Syndrome; Hereditary neoplastic syndrome. Identifiers: Orphanet 140162, MedGen C0027672, MeSH D009386, MONDO:0015356.

gnomAD v4.1: 1 of 1,614,152 alleles (0.000062%); highest among the groups gnomAD compares: Middle Eastern, 0.016%; no homozygotes.

Submissions (2):

Color Diagnostics, LLC DBA Color Health
Classification: Uncertain significance for Hereditary cancer-predisposing syndrome. Last evaluated: 2024-03-06. Review status: criteria provided, single submitter. Criteria: ACMG Guidelines, 2015. Collection method: clinical testing. Allele origin: germline.
Comment: This missense variant replaces aspartic acid with glutamic acid at codon 414 of the BMPR1A protein. Computational prediction suggests that this variant may not impact protein structure and function (internally defined REVEL score threshold <= 0.5, PMID: 27666373). Splice site prediction tools suggest that this variant may not impact RNA splicing. To our knowledge, functional studies have not been reported for this variant. This variant has not been reported in individuals affected with hereditary cancer in the literature. This variant has not been identified in the general population by the Genome Aggregation Database (gnomAD). The available evidence is insufficient to determine the role of this variant in disease conclusively. Therefore, this variant is classified as a Variant of Uncertain Significance.

Ambry Genetics
Classification: Uncertain significance for Hereditary cancer-predisposing syndrome. Last evaluated: 2021-12-09. Review status: criteria provided, single submitter. Criteria: Ambry Variant Classification Scheme 2023. Collection method: clinical testing. Allele origin: germline.
Comment: The p.D414E variant (also known as c.1242C>A), located in coding exon 9 of the BMPR1A gene, results from a C to A substitution at nucleotide position 1242. The aspartic acid at codon 414 is replaced by glutamic acid, an amino acid with highly similar properties. This amino acid position is highly conserved in available vertebrate species. In addition, this alteration is predicted to be tolerated by in silico analysis. Since supporting evidence is limited at this time, the clinical significance of this alteration remains unclear.

NM_004329.3(BMPR1A):c.1242C>A (p.Asp414Glu)

Gene: BMPR1A (bone morphogenetic protein receptor type 1A; plus strand). Cytogenetic location: 10q23.2.
Variant type: single nucleotide variant.
Coding change: c.1242C>A on transcript NM_004329.3 (MANE Select); coding-DNA position 1242, C replaced by A.
Protein change: p.Asp414Glu; replaces aspartic acid 414 with glutamic acid.
Molecular consequence: missense variant.
Genome position (GRCh38, 1-based): chr10:86,921,595, C>A. VCF-style: chr10-86921595-C-A. GRCh37 (hg19) VCF-style: chr10-88681352-C-A.
Other names: short protein forms D414E.
Identifiers: ClinVar variation 924251 (VCV000924251.6), dbSNP rs767296986, ClinGen allele CA377462073.
Genomic context (GRCh38, chr10:86,921,595, plus strand): 5'-TGATGTGCCCTTGAATACCAGGGTGGGCACCAAACGCTACATGGCTCCCGAAGTGCTGGA[C>A]GAAAGCCTGAACAAAAACCACTTCCAGCCCTACATCATGGCTGACATCTACAGCTTCGGC-3'
Protein context (NP_004320.2, residues 404-424): TKRYMAPEVL[Asp414Glu]ESLNKNHFQP